The following is an entry in ClinVar:

ClinVar aggregate classification (germline): Uncertain significance (1 of 4 stars; one submission).

gnomAD v4.1: 35 of 1,613,920 alleles (0.0022%); highest among the groups gnomAD compares: Admixed American, 0.028%; no homozygotes.

Submission:

GeneDx
Classification: Uncertain significance. Last evaluated: 2023-10-26. Review status: criteria provided, single submitter. Criteria: GeneDx Variant Classification Process June 2021. Collection method: clinical testing. Allele origin: germline. Affected: yes.
Comment: In silico analysis supports that this missense variant does not alter protein structure/function; Has not been previously published as pathogenic or benign to our knowledge

NM_017909.4(RMND1):c.76G>A (p.Gly26Ser)

Gene: RMND1 (required for meiotic nuclear division 1 homolog; minus strand). Cytogenetic location: 6q25.1.
Variant type: single nucleotide variant.
Coding change: c.76G>A on transcript NM_017909.4 (MANE Select); coding-DNA position 76, G replaced by A.
Protein change: p.Gly26Ser; replaces glycine 26 with serine.
Molecular consequence: missense variant. On other transcripts: intron variant (1).
Genome position (GRCh38, 1-based): chr6:151,445,736, C>T on the plus strand (G>A on the coding strand, the complement: RMND1 is on the minus strand). VCF-style: chr6-151445736-C-T. GRCh37 (hg19) VCF-style: chr6-151766871-C-T.
Other names: c.-7+6280G>A (NM_001271937.2); short protein forms G26S.
Identifiers: ClinVar variation 3363517 (VCV003363517.1).
Genomic context (GRCh38, chr6:151,445,736, plus strand): 5'-TTGTCAGTGTGCTGCATGTTGTATTTTCAAATTCCTTAAGTGGTTTTAACATTAGATGAC[C>T]GATTCTTCGGCACTGATGTGCTTTTGATAATATATGATGAGATCTGGCCACGGCTCTGAG-3'
Protein context (NP_060379.2, residues 16-36): LSKAHQCRRI[Gly26Ser]HLMLKPLKEF